The following is an entry in ClinVar:

NM_006015.6(ARID1A):c.5803G>C (p.Glu1935Gln)

Gene: ARID1A (AT-rich interaction domain 1A; plus strand). Cytogenetic location: 1p36.11.
Variant type: single nucleotide variant.
Coding change: c.5803G>C on transcript NM_006015.6 (MANE Select); coding-DNA position 5803, G replaced by C.
Protein change: p.Glu1935Gln; replaces glutamic acid 1935 with glutamine.
Molecular consequence: missense variant.
Genome position (GRCh38, 1-based): chr1:26,779,701, G>C. VCF-style: chr1-26779701-G-C. GRCh37 (hg19) VCF-style: chr1-27106192-G-C.
Other names: c.5152G>C, p.Glu1718Gln (NM_139135.4); short protein forms E1718Q, E1935Q.
Identifiers: ClinVar variation 3061310 (VCV003061310.2), dbSNP rs769740316, ClinGen allele CA339188247.

ClinVar aggregate classification (germline): Uncertain significance (0 of 4 stars; one submission).

Conditions:
ARID1A-related disorder. Also called: ARID1A-related condition.

Submission:

PreventionGenetics, part of Exact Sciences
Classification: Uncertain significance for ARID1A-related condition. Last evaluated: 2024-02-15. Review status: no assertion criteria provided. Collection method: clinical testing. Allele origin: germline.
Comment: The ARID1A c.5803G>C variant is predicted to result in the amino acid substitution p.Glu1935Gln. To our knowledge, this variant has not been reported in the literature or in a large population database, indicating this variant is rare. At this time, the clinical significance of this variant is uncertain due to the absence of conclusive functional and genetic evidence.